The following is an entry in ClinVar:

ClinVar aggregate classification (germline): Uncertain significance (1 of 4 stars; one submission).

Conditions:
Amelocerebrohypohidrotic syndrome (KTZS). Also called: Kohlschutter's syndrome; EPILEPSY AND YELLOW TEETH; EPILEPSY, DEMENTIA, AND AMELOGENESIS IMPERFECTA; KOHLSCHUTTER SYNDROME. Identifiers: Orphanet 1946, MedGen C0406740, MONDO:0009185, OMIM 226750.

Allele frequency attached by ClinVar (database versions not stated): gnomAD 0.00003; gnomAD exomes 0.00003; TOPMed 0.00003; ExAC 0.00006; ESP Exome Variant Server 0.00008.

Submission:

Labcorp Genetics (formerly Invitae), Labcorp
Classification: Uncertain significance for Amelocerebrohypohidrotic syndrome. Last evaluated: 2025-09-02. Review status: criteria provided, single submitter. Criteria: Invitae Variant Classification Sherloc (09022015). Collection method: clinical testing. Allele origin: germline.
Comment: This sequence change replaces alanine, which is neutral and non-polar, with threonine, which is neutral and polar, at codon 140 of the ROGDI protein (p.Ala140Thr). This variant is present in population databases (rs146815588, gnomAD 0.007%). This variant has not been reported in the literature in individuals affected with ROGDI-related conditions. ClinVar contains an entry for this variant (Variation ID: 1408883). An algorithm developed to predict the effect of missense changes on protein structure and function (PolyPhen-2) suggests that this variant is likely to be tolerated. In summary, the available evidence is currently insufficient to determine the role of this variant in disease. Therefore, it has been classified as a Variant of Uncertain Significance.

NM_024589.3(ROGDI):c.418G>A (p.Ala140Thr)

Gene: ROGDI (rogdi atypical leucine zipper; minus strand). Cytogenetic location: 16p13.3.
Variant type: single nucleotide variant.
Coding change: c.418G>A on transcript NM_024589.3 (MANE Select); coding-DNA position 418, G replaced by A.
Protein change: p.Ala140Thr; replaces alanine 140 with threonine.
Molecular consequence: missense variant. On other transcripts: non-coding transcript variant (1).
Genome position (GRCh38, 1-based): chr16:4,799,700, C>T on the plus strand (G>A on the coding strand, the complement: ROGDI is on the minus strand). VCF-style: chr16-4799700-C-T. GRCh37 (hg19) VCF-style: chr16-4849701-C-T.
Other names: short protein forms A140T.
Identifiers: ClinVar variation 1408883 (VCV001408883.7), dbSNP rs146815588, ClinGen allele CA7882745.
Genomic context (GRCh38, chr16:4,799,700, plus strand): 5'-AAGAACGTGGGACTAGGCCCAGGAGTCAGGCCCGGGGGCAGCTCACCTTGAGGACCTCAG[C>T]GCCCGTCTTGAACTGGTAGCTCTGGTCCCGGCTGGTAAGCAGGTAAATGGCTTGGCTCAC-3'
Protein context (NP_078865.1, residues 130-150): RDQSYQFKTG[Ala140Thr]EVLKLMDAVM